The following is an entry in ClinVar:

NM_001035.3(RYR2):c.12240C>T (p.Tyr4080=)

Gene: RYR2 (ryanodine receptor 2; plus strand). Cytogenetic location: 1q43.
Variant type: single nucleotide variant.
Coding change: c.12240C>T on transcript NM_001035.3 (MANE Select); coding-DNA position 12240, C replaced by T.
Protein change: p.Tyr4080=; no amino-acid change (tyrosine 4080 retained).
Molecular consequence: synonymous variant.
Genome position (GRCh38, 1-based): chr1:237,783,952, C>T. VCF-style: chr1-237783952-C-T. GRCh37 (hg19) VCF-style: chr1-237947252-C-T.
Other names: c.12240C>T (NM_001035.2).
Identifiers: ClinVar variation 1607039 (VCV001607039.12), dbSNP rs1335612184, ClinGen allele CA066320.

ClinVar aggregate classification (germline): Likely benign. Review status: criteria provided, multiple submitters, no conflicts (2 of 4 stars). 5 submissions from 5 submitters: Likely benign (5). Last evaluated 2025-12-03.

Conditions:
Cardiomyopathy (CMYO). Also called: Cardiomyopathies. Identifiers: Orphanet 167848, MedGen C0878544, MONDO:0004994, HP:0001638. Inheritance: Various modes of inheritance.
Catecholaminergic polymorphic ventricular tachycardia 1. Also called: VENTRICULAR TACHYCARDIA, CATECHOLAMINERGIC POLYMORPHIC, 1, WITH OR WITHOUT ATRIAL DYSFUNCTION AND/OR DILATED CARDIOMYOPATHY; RYR2-Related Catecholaminergic Polymorphic Ventricular Tachycardia; VENTRICULAR TACHYCARDIA, STRESS-INDUCED POLYMORPHIC 1. Identifiers: Orphanet 3286, MedGen C1631597, MONDO:0011484, OMIM 604772.
Catecholaminergic polymorphic ventricular tachycardia (CVPT). Also called: Catecholamine-induced polymorphic ventricular tachycardia. Identifiers: Orphanet 3286, MedGen C5574922, MONDO:0017990.
Cardiovascular phenotype. Identifiers: MedGen CN230736.

Allele frequency attached by ClinVar (database versions not stated): gnomAD exomes below 0.00001 and 0.00001; TOPMed 0.00002.

Submissions (5):

Labcorp Genetics (formerly Invitae), Labcorp
Classification: Likely benign for Catecholaminergic polymorphic ventricular tachycardia 1. Last evaluated: 2025-12-03. Review status: criteria provided, single submitter. Criteria: Invitae Variant Classification Sherloc (09022015). Collection method: clinical testing. Allele origin: germline.

Ambry Genetics
Classification: Likely benign for Cardiovascular phenotype. Last evaluated: 2024-10-19. Review status: criteria provided, single submitter. Criteria: Ambry Variant Classification Scheme 2023. Collection method: clinical testing. Allele origin: germline.

Women's Health and Genetics/Laboratory Corporation of America, LabCorp
Classification: Likely benign. Last evaluated: 2023-12-03. Review status: criteria provided, single submitter. Criteria: LabCorp Variant Classification Summary - May 2015. Collection method: clinical testing. Allele origin: germline.

All of Us Research Program, National Institutes of Health
Classification: Likely benign for Catecholaminergic polymorphic ventricular tachycardia. Last evaluated: 2023-12-01. Review status: criteria provided, single submitter. Criteria: ACMG Guidelines, 2015. Collection method: clinical testing. Allele origin: germline. Inheritance: Autosomal dominant inheritance. Observed: 3 variant alleles, 3 heterozygotes.
Comment: This study involves interpretation of variants in research participants for the purpose of population health screening. Participant phenotype was not available at the time of variant classification. Additional details can be found in publication PMID: 35346344, PMCID: PMC8962531

Color Diagnostics, LLC DBA Color Health
Classification: Likely benign for Cardiomyopathy. Last evaluated: 2023-01-04. Review status: criteria provided, single submitter. Criteria: ACMG Guidelines, 2015. Collection method: clinical testing. Allele origin: germline.